The following is an entry in ClinVar:

NM_001174150.2(ARL13B):c.620_626dup (p.Leu211fs)

Gene: ARL13B (ARF like GTPase 13B; plus strand). Cytogenetic location: 3q11.2.
Variant type: Duplication.
Coding change: c.620_626dup on transcript NM_001174150.2 (MANE Select); coding-DNA positions 620 to 626, 7 bases duplicated (AGCAGCG; older notation c.620_626dupAGCAGCG).
Protein change: p.Leu211fs; shifts the reading frame from leucine 211.
Molecular consequence: frameshift variant. On other transcripts: non-coding transcript variant (2).
Genome position (GRCh38, 1-based): chr3:94,036,685-94,036,691, AGCAGCG duplicated; duplicating any 7 consecutive bases within chr3:94,036,684-94,036,691 gives the same sequence; the c. name uses the placement nearest the transcript's 3' end. VCF-style (leftmost placement, unchanged base first): chr3-94036683-A-AGAGCAGC. GRCh37 (hg19) VCF-style: chr3-93755527-A-AGAGCAGC.
Other names: c.311_317dup, p.Leu108fs (NM_001174151.2); c.575_581dup, p.Leu196fs (NM_001321328.2); c.620_626dup, p.Leu211fs (NM_001410782.1, NM_182896.3); c.299_305dup, p.Leu104fs (NM_001437443.1, NM_144996.4); short protein forms L104fs, L108fs, L196fs, L211fs.
Identifiers: ClinVar variation 4850642 (VCV004850642.2).

ClinVar aggregate classification (germline): Likely pathogenic. Review status: criteria provided, multiple submitters, no conflicts (2 of 4 stars). 2 submissions from 2 submitters: Likely pathogenic (2). Last evaluated 2025-08-04.

Conditions:
ARL13B-related disorder. Also called: ARL13B-related condition.
Joubert syndrome 8 (JBTS8). Identifiers: Orphanet 475, MedGen C2676771, MONDO:0012855, OMIM 612291.

Submissions (2):

First Genomix Gene Laboratory, Genetic Diagnostics Department
Classification: Likely pathogenic for Joubert syndrome 8. Last evaluated: 2025-08-04. Review status: criteria provided, single submitter. Criteria: ACMG Guidelines, 2015. Collection method: clinical testing. Allele origin: germline. Inheritance: Autosomal recessive inheritance. Affected: no. Observed: 1 variant allele.

Blueprint Genetics
Classification: Likely pathogenic for ARL13B-related disorders. Last evaluated: 2022-11-08. Review status: criteria provided, single submitter. Criteria: ACMG Guidelines, 2015. Collection method: clinical testing. Allele origin: germline. Affected: yes. Observed: 1 variant allele.